The following is an entry in ClinVar:

NM_000890.5(KCNJ5):c.592G>A (p.Glu198Lys)

Gene: KCNJ5 (potassium inwardly rectifying channel subfamily J member 5; plus strand). Cytogenetic location: 11q24.3.
Variant type: single nucleotide variant.
Coding change: c.592G>A on transcript NM_000890.5 (MANE Select); coding-DNA position 592, G replaced by A.
Protein change: p.Glu198Lys; replaces glutamic acid 198 with lysine.
Molecular consequence: missense variant.
Genome position (GRCh38, 1-based): chr11:128,911,865, G>A. VCF-style: chr11-128911865-G-A. GRCh37 (hg19) VCF-style: chr11-128781760-G-A.
Other names: c.592G>A, p.Glu198Lys (NM_001354169.2); short protein forms E198K.
Identifiers: ClinVar variation 1721549 (VCV001721549.5), dbSNP rs2497724045, ClinGen allele CA383249232.

ClinVar aggregate classification (germline): Uncertain significance (1 of 4 stars; one submission).

Conditions:
Long QT syndrome (LQTS). Identifiers: MedGen C0023976, MeSH D008133, MONDO:0002442. Disease mechanism: loss of function. Inheritance: Various modes of inheritance.

Submission:

Labcorp Genetics (formerly Invitae), Labcorp
Classification: Uncertain significance for Long QT syndrome. Last evaluated: 2022-10-13. Review status: criteria provided, single submitter. Criteria: Invitae Variant Classification Sherloc (09022015). Collection method: clinical testing. Allele origin: germline.
Comment: In summary, the available evidence is currently insufficient to determine the role of this variant in disease. Therefore, it has been classified as a Variant of Uncertain Significance. Advanced modeling of protein sequence and biophysical properties (such as structural, functional, and spatial information, amino acid conservation, physicochemical variation, residue mobility, and thermodynamic stability) performed at Invitae indicates that this missense variant is not expected to disrupt KCNJ5 protein function. This variant has not been reported in the literature in individuals affected with KCNJ5-related conditions. This variant is not present in population databases (gnomAD no frequency). This sequence change replaces glutamic acid, which is acidic and polar, with lysine, which is basic and polar, at codon 198 of the KCNJ5 protein (p.Glu198Lys).